The following is an entry in ClinVar:

ClinVar aggregate classification (germline): Uncertain significance (1 of 4 stars; one submission).

Allele frequency attached by ClinVar (database versions not stated): gnomAD exomes 0.00001 and 0.00002; ExAC 0.00002.
gnomAD v4.1: 20 of 1,585,912 alleles (0.0013%); highest among the groups gnomAD compares: Non-Finnish European, 0.0016%; no homozygotes.

Submission:

Labcorp Genetics (formerly Invitae), Labcorp
Classification: Uncertain significance. Last evaluated: 2019-09-28. Review status: criteria provided, single submitter. Criteria: Invitae Variant Classification Sherloc (09022015). Collection method: clinical testing. Allele origin: germline.
Comment: This sequence change replaces proline with leucine at codon 289 of the C21orf59 protein (p.Pro289Leu). The proline residue is highly conserved and there is a moderate physicochemical difference between proline and leucine. This variant is present in population databases (rs764768742, ExAC 0.004%). This variant has not been reported in the literature in individuals with C21orf59-related disease. Algorithms developed to predict the effect of missense changes on protein structure and function do not agree on the potential impact of this missense change (SIFT: "Tolerated"; PolyPhen-2: "Probably Damaging"; Align-GVGD: "Class C0"). In summary, the available evidence is currently insufficient to determine the role of this variant in disease. Therefore, it has been classified as a Variant of Uncertain Significance.

NM_021254.4(CFAP298):c.866C>T (p.Pro289Leu)

Genes: CFAP298 (cilia and flagella associated protein 298; minus strand), CFAP298-TCP10L (CFAP298-TCP10L readthrough; minus strand). Cytogenetic location: 21q22.11.
Variant type: single nucleotide variant.
Coding change: c.866C>T on transcript NM_021254.4 (MANE Select); coding-DNA position 866, C replaced by T.
Protein change: p.Pro289Leu; replaces proline 289 with leucine.
Molecular consequence: missense variant. On other transcripts: 3 prime UTR variant (2), intron variant (1).
Genome position (GRCh38, 1-based): chr21:32,601,870, G>A on the plus strand (C>T on the coding strand, the complement: CFAP298 is on the minus strand). VCF-style: chr21-32601870-G-A. GRCh37 (hg19) VCF-style: chr21-33974180-G-A.
Other names: c.569C>T, p.Pro190Leu (NM_001350334.2); c.*1219C>T (NM_001350335.2); c.770C>T, p.Pro257Leu (NM_001350336.2); c.*354C>T (NM_001350337.2); c.666+1291C>T (NM_001350338.2); short protein forms P289L, P190L, P257L.
Identifiers: ClinVar variation 568785 (VCV000568785.9), dbSNP rs764768742, ClinGen allele CA10002688.